The following is an entry in ClinVar:

NM_015981.4(CAMK2A):c.*53G>C

Gene: CAMK2A (calcium/calmodulin dependent protein kinase II alpha; minus strand). Cytogenetic location: 5q32.
Variant type: single nucleotide variant.
Coding change: c.*53G>C on transcript NM_015981.4 (MANE Select); 53 bases downstream of the stop codon, G replaced by C.
Molecular consequence: 3 prime UTR variant.
Genome position (GRCh38, 1-based): chr5:150,222,657, C>G on the plus strand (G>C on the coding strand, the complement: CAMK2A is on the minus strand). VCF-style: chr5-150222657-C-G. GRCh37 (hg19) VCF-style: chr5-149602220-C-G.
Other names: c.*53G>C (NM_001363989.1, NM_001363990.1, NM_171825.3); c.*82G>C (NM_001369025.2).
Identifiers: ClinVar variation 3771833 (VCV003771833.13).
Genomic context (GRCh38, chr5:150,222,657, plus strand): 5'-GGTGATGACATGGGAGAATTCCAGCAAAATCCACCTGGGAGAACCAGCAGCTCCACTCCA[C>G]GGACAGAGTGGATCTCTGCGGCACAGCAACGCAGCGACCCCAGCCTGGTCCCTCAGCTGT-3'

ClinVar aggregate classification (germline): Likely benign (1 of 4 stars; one submission).

gnomAD v4.1: 1 of 1,600,710 alleles (0.000062%); highest among the groups gnomAD compares: Non-Finnish European, 0.000086%; no homozygotes.

Submission:

CeGaT Center for Human Genetics Tuebingen
Classification: Likely benign. Last evaluated: 2024-12-01. Review status: criteria provided, single submitter. Criteria: CeGaT Center For Human Genetics Tuebingen Variant Classification Criteria Version 2. Collection method: clinical testing. Allele origin: germline. Affected: yes. Observed: 1 variant allele.
Comment: CAMK2A: BP4, BP7